The following is an entry in ClinVar:

ClinVar aggregate classification (germline): Uncertain significance. Review status: criteria provided, multiple submitters, no conflicts (2 of 4 stars). 2 submissions from 2 submitters: Uncertain significance (2). Last evaluated 2025-08-25.

Conditions:
Nephronophthisis. Also called: Juvenile Nephronophthisis. Identifiers: Orphanet 655, MedGen C0687120, MONDO:0019005, HP:0000090.
Inborn genetic diseases. Identifiers: MedGen C0950123, MeSH D030342.

Allele frequency attached by ClinVar (database versions not stated): gnomAD exomes below 0.00001; TOPMed 0.00003.
gnomAD v4.1: 4 of 1,613,898 alleles (0.00025%); highest among the groups gnomAD compares: African/African-American, 0.004%; no homozygotes.

Submissions (2):

Ambry Genetics
Classification: Uncertain significance for Inborn genetic diseases. Last evaluated: 2025-08-25. Review status: criteria provided, single submitter. Criteria: Ambry Variant Classification Scheme 2023. Collection method: clinical testing. Allele origin: germline.

Labcorp Genetics (formerly Invitae), Labcorp
Classification: Uncertain significance for Nephronophthisis. Last evaluated: 2022-04-01. Review status: criteria provided, single submitter. Criteria: Invitae Variant Classification Sherloc (09022015). Collection method: clinical testing. Allele origin: germline.
Comment: This sequence change replaces glutamine, which is neutral and polar, with histidine, which is basic and polar, at codon 671 of the NPHP4 protein (p.Gln671His). This variant is present in population databases (no rsID available, gnomAD 0.02%). This variant has not been reported in the literature in individuals affected with NPHP4-related conditions. Algorithms developed to predict the effect of missense changes on protein structure and function are either unavailable or do not agree on the potential impact of this missense change (SIFT: "Tolerated"; PolyPhen-2: "Probably Damaging"; Align-GVGD: "Class C0"). Algorithms developed to predict the effect of sequence changes on RNA splicing suggest that this variant may disrupt the consensus splice site. In summary, the available evidence is currently insufficient to determine the role of this variant in disease. Therefore, it has been classified as a Variant of Uncertain Significance.

NM_015102.5(NPHP4):c.2013G>C (p.Gln671His)

Gene: NPHP4 (nephrocystin 4; minus strand). Cytogenetic location: 1p36.31.
Variant type: single nucleotide variant.
Coding change: c.2013G>C on transcript NM_015102.5 (MANE Select); coding-DNA position 2013, G replaced by C.
Protein change: p.Gln671His; replaces glutamine 671 with histidine.
Molecular consequence: missense variant. On other transcripts: non-coding transcript variant (1).
Genome position (GRCh38, 1-based): chr1:5,904,747, C>G on the plus strand (G>C on the coding strand, the complement: NPHP4 is on the minus strand). VCF-style: chr1-5904747-C-G. GRCh37 (hg19) VCF-style: chr1-5964807-C-G.
Other names: c.474G>C, p.Gln158His (NM_001291593.2); c.477G>C, p.Gln159His (NM_001291594.2); c.2013G>C (NM_015102.3); short protein forms Q671H, Q158H, Q159H.
Identifiers: ClinVar variation 2093380 (VCV002093380.3), dbSNP rs1036752306, ClinGen allele CA17124405.